The following is an entry in ClinVar:

ClinVar aggregate classification (germline): Uncertain significance. Review status: criteria provided, multiple submitters, no conflicts (2 of 4 stars). 2 submissions from 2 submitters: Uncertain significance (2). Last evaluated 2025-12-03.

Submissions (2):

Labcorp Genetics (formerly Invitae), Labcorp
Classification: Uncertain significance. Last evaluated: 2025-12-03. Review status: criteria provided, single submitter. Criteria: Invitae Variant Classification Sherloc (09022015). Collection method: clinical testing. Allele origin: germline.
Comment: This sequence change replaces glycine, which is neutral and non-polar, with valine, which is neutral and non-polar, at codon 336 of the RNF43 protein (p.Gly336Val). This variant is not present in population databases (gnomAD no frequency). This variant has not been reported in the literature in individuals affected with RNF43-related conditions. ClinVar contains an entry for this variant (Variation ID: 3789886). An algorithm developed to predict the effect of missense changes on protein structure and function (PolyPhen-2) suggests that this variant is likely to be disruptive. In summary, the available evidence is currently insufficient to determine the role of this variant in disease. Therefore, it has been classified as a Variant of Uncertain Significance.

Ambry Genetics
Classification: Uncertain significance. Last evaluated: 2025-01-21. Review status: criteria provided, single submitter. Criteria: Ambry Variant Classification Scheme 2023. Collection method: clinical testing. Allele origin: germline.
Comment: The p.G336V variant (also known as c.1007G>T), located in coding exon 8 of the RNF43 gene, results from a G to T substitution at nucleotide position 1007. The glycine at codon 336 is replaced by valine, an amino acid with dissimilar properties. This amino acid position is highly conserved in available vertebrate species. In addition, this alteration is predicted to be tolerated by in silico analysis. Based on the available evidence, the clinical significance of this variant remains unclear.

NM_017763.6(RNF43):c.1007G>T (p.Gly336Val)

Gene: RNF43 (ring finger protein 43; minus strand). Cytogenetic location: 17q22.
Variant type: single nucleotide variant.
Coding change: c.1007G>T on transcript NM_017763.6 (MANE Select); coding-DNA position 1007, G replaced by T.
Protein change: p.Gly336Val; replaces glycine 336 with valine.
Molecular consequence: missense variant.
Genome position (GRCh38, 1-based): chr17:58,358,769, C>A on the plus strand (G>T on the coding strand, the complement: RNF43 is on the minus strand). VCF-style: chr17-58358769-C-A. GRCh37 (hg19) VCF-style: chr17-56436130-C-A.
Other names: c.1007G>T, p.Gly336Val (NM_001305544.3); c.626G>T, p.Gly209Val (NM_001305545.2); short protein forms G336V, G209V.
Identifiers: ClinVar variation 3789886 (VCV003789886.2).